The following is an entry in ClinVar:

ClinVar aggregate classification (germline): Uncertain significance (1 of 4 stars; one submission).

Conditions:
Neuroblastoma, susceptibility to, 3. Also called: ALK-Related Neuroblastic Tumor Susceptibility. Identifiers: Orphanet 635, MedGen C2751681, MONDO:0013083, OMIM 613014.

Submission:

Labcorp Genetics (formerly Invitae), Labcorp
Classification: Uncertain significance for Neuroblastoma, susceptibility to, 3. Last evaluated: 2023-09-18. Review status: criteria provided, single submitter. Criteria: Invitae Variant Classification Sherloc (09022015). Collection method: clinical testing. Allele origin: germline.
Comment: This variant is not present in population databases (gnomAD no frequency). This sequence change replaces isoleucine, which is neutral and non-polar, with leucine, which is neutral and non-polar, at codon 219 of the ALK protein (p.Ile219Leu). This variant has not been reported in the literature in individuals affected with ALK-related conditions. In summary, the available evidence is currently insufficient to determine the role of this variant in disease. Therefore, it has been classified as a Variant of Uncertain Significance. An algorithm developed to predict the effect of missense changes on protein structure and function (PolyPhen-2) suggests that this variant is likely to be tolerated. ClinVar contains an entry for this variant (Variation ID: 1372930).

NM_004304.5(ALK):c.655A>C (p.Ile219Leu)

Gene: ALK (ALK receptor tyrosine kinase; minus strand). Cytogenetic location: 2p23.1.
Variant type: single nucleotide variant.
Coding change: c.655A>C on transcript NM_004304.5 (MANE Select); coding-DNA position 655, A replaced by C.
Protein change: p.Ile219Leu; replaces isoleucine 219 with leucine.
Molecular consequence: missense variant.
Genome position (GRCh38, 1-based): chr2:29,920,005, T>G on the plus strand (A>C on the coding strand, the complement: ALK is on the minus strand). VCF-style: chr2-29920005-T-G. GRCh37 (hg19) VCF-style: chr2-30142871-T-G.
Other names: short protein forms I219L.
Identifiers: ClinVar variation 1372930 (VCV001372930.6), dbSNP rs886055932, ClinGen allele CA346589603.